The following is an entry in ClinVar:

NM_006019.4(TCIRG1):c.1548C>T (p.Ile516=)

Gene: TCIRG1 (T cell immune regulator 1, ATPase H+ transporting V0 subunit a3; plus strand). Cytogenetic location: 11q13.2.
Variant type: single nucleotide variant.
Coding change: c.1548C>T on transcript NM_006019.4 (MANE Select); coding-DNA position 1548, C replaced by T.
Protein change: p.Ile516=; no amino-acid change (isoleucine 516 retained).
Molecular consequence: synonymous variant.
Genome position (GRCh38, 1-based): chr11:68,047,966, C>T. VCF-style: chr11-68047966-C-T. GRCh37 (hg19) VCF-style: chr11-67815433-C-T.
Other names: c.654C>T, p.Ile218= (NM_001351059.2); c.900C>T, p.Ile300= (NM_006053.4); c.1548C>T (NM_006019.3).
Identifiers: ClinVar variation 1121176 (VCV001121176.11), dbSNP rs759410959, ClinGen allele CA6147156.

ClinVar aggregate classification (germline): Likely benign. Review status: criteria provided, single submitter (1 of 4 stars). 2 submissions from 2 submitters: Likely benign (1). 1 of the submissions does not count toward it. Last evaluated 2025-11-24.

Conditions:
TCIRG1-related disorder. Also called: TCIRG1-related condition.

Allele frequency attached by ClinVar (database versions not stated): gnomAD exomes below 0.00001 and 0.00001; gnomAD 0.00001 and 0.00002; ExAC 0.00002.
gnomAD v4.1: 9 of 1,613,484 alleles (0.00056%); highest among the groups gnomAD compares: South Asian, 0.0055%; 1 homozygote.

Submissions (2):

Labcorp Genetics (formerly Invitae), Labcorp
Classification: Likely benign. Last evaluated: 2025-11-24. Review status: criteria provided, single submitter. Criteria: Invitae Variant Classification Sherloc (09022015). Collection method: clinical testing. Allele origin: germline.

PreventionGenetics, part of Exact Sciences
Classification: Likely benign for TCIRG1-related condition. Last evaluated: 2021-06-09. Review status: no assertion criteria provided. Collection method: clinical testing. Allele origin: germline. Not counted in ClinVar's aggregate classification.
Comment: This variant is classified as likely benign based on ACMG/AMP sequence variant interpretation guidelines (Richards et al. 2015 PMID: 25741868, with internal and published modifications).